The following is an entry in ClinVar:

ClinVar aggregate classification (germline): Likely pathogenic (1 of 4 stars; one submission).

Conditions:
Retinitis pigmentosa 25 (RP25). Identifiers: Orphanet 791, MedGen C1864446, MONDO:0011272, OMIM 602772.

Submission:

Natera, Inc.
Classification: Likely pathogenic for Retinitis pigmentosa type 25. Last evaluated: 2025-08-18. Review status: criteria provided, single submitter. Criteria: Natera Variant Classification Schema (03/2026). Collection method: clinical testing. Allele origin: germline.
Comment: The c.2381+2T>C variant in EYS is a canonical splice donor site variant predicted to affect pre-mRNA splicing, which may result in an abnormal transcript and altered protein product. This variant is expected to result in nonsense mediated decay, truncation, or a dysfunctional protein product. This variant is rare in the general population with a frequency below the threshold expected for the associated phenotype(s). Given the available evidence, this variant is classified as Likely Pathogenic.

NM_001142800.2(EYS):c.2381+2T>C

Gene: EYS (EGF-like photoreceptor maintenance factor; minus strand). Cytogenetic location: 6q12.
Variant type: single nucleotide variant.
Coding change: c.2381+2T>C on transcript NM_001142800.2 (MANE Select); the canonical splice donor site of the intron after coding-DNA position 2381, T replaced by C.
Molecular consequence: splice donor variant.
Genome position (GRCh38, 1-based): chr6:64,945,791, A>G on the plus strand (T>C on the coding strand, the complement: EYS is on the minus strand). VCF-style: chr6-64945791-A-G. GRCh37 (hg19) VCF-style: chr6-65655684-A-G.
Other names: c.2381+2T>C (NM_001292009.2).
Identifiers: ClinVar variation 4814619 (VCV004814619.1).
Genomic context (GRCh38, chr6:64,945,791, plus strand): 5'-ATCCCAAGGACACTGAGCACTCCAAGTAATTTCATGAAGAAAGCTAAAAATATGTTACTC[A>G]CCGATAGCTTTTGTAAAGGTCAGTACAGGTGGAATTGTTCTTGCAAGGATTCATTTTACA-3'